The following is an entry in ClinVar:

ClinVar aggregate classification (germline): Pathogenic (1 of 4 stars; one submission).

Submission:

Labcorp Genetics (formerly Invitae), Labcorp
Classification: Pathogenic. Last evaluated: 2024-01-10. Review status: criteria provided, single submitter. Criteria: Invitae Variant Classification Sherloc (09022015). Collection method: clinical testing. Allele origin: germline.
Comment: This sequence change creates a premature translational stop signal (p.Gln307*) in the TRPV6 gene. It is expected to result in an absent or disrupted protein product. Loss-of-function variants in TRPV6 are known to be pathogenic (PMID: 29861107, 30144375). This variant is not present in population databases (gnomAD no frequency). This variant has not been reported in the literature in individuals affected with TRPV6-related conditions. For these reasons, this variant has been classified as Pathogenic.

Literature cited by the submitters: PubMed 29861107; PubMed 30144375.

NM_018646.6(TRPV6):c.919C>T (p.Gln307Ter)

Gene: TRPV6 (transient receptor potential cation channel subfamily V member 6; minus strand). Cytogenetic location: 7q34.
Variant type: single nucleotide variant.
Coding change: c.919C>T on transcript NM_018646.6 (MANE Select); coding-DNA position 919, C replaced by T.
Protein change: p.Gln307Ter; replaces glutamine 307 with a stop codon.
Molecular consequence: nonsense.
Genome position (GRCh38, 1-based): chr7:142,875,868, G>A on the plus strand (C>T on the coding strand, the complement: TRPV6 is on the minus strand). VCF-style: chr7-142875868-G-A. GRCh37 (hg19) VCF-style: chr7-142573621-G-A.
Other names: short protein forms Q307*.
Identifiers: ClinVar variation 2708630 (VCV002708630.3), dbSNP rs2486203523, ClinGen allele CA369636145.